The following is an entry in ClinVar:

ClinVar aggregate classification (germline): Uncertain significance. Review status: criteria provided, multiple submitters, no conflicts (2 of 4 stars). 2 submissions from 2 submitters: Uncertain significance (2). Last evaluated 2025-03-26.

Conditions:
Inborn genetic diseases. Identifiers: MedGen C0950123, MeSH D030342.

Allele frequency attached by ClinVar (database versions not stated): gnomAD exomes below 0.00001; gnomAD 0.00001.
gnomAD v4.1: 2 of 1,614,064 alleles (0.00012%); highest among the groups gnomAD compares: Admixed American, 0.0017%; no homozygotes.

Submissions (2):

Ambry Genetics
Classification: Uncertain significance for Inborn genetic diseases. Last evaluated: 2025-03-26. Review status: criteria provided, single submitter. Criteria: Ambry Variant Classification Scheme 2023. Collection method: clinical testing. Allele origin: germline.

Women's Health and Genetics/Laboratory Corporation of America, LabCorp
Classification: Uncertain significance. Last evaluated: 2024-02-07. Review status: criteria provided, single submitter. Criteria: LabCorp Variant Classification Summary - May 2015. Collection method: clinical testing. Allele origin: germline.
Comment: Variant summary: NSD1 c.3397A>G (p.Lys1133Glu) results in a conservative amino acid change in the encoded protein sequence. Five of five in-silico tools predict a benign effect of the variant on protein function. The variant was absent in 251300 control chromosomes. The available data on variant occurrences in the general population are insufficient to allow any conclusion about variant significance. To our knowledge, no occurrence of c.3397A>G in individuals affected with Sotos Syndrome and no experimental evidence demonstrating its impact on protein function have been reported. No submitters have cited clinical-significance assessments for this variant to ClinVar. Based on the evidence outlined above, the variant was classified as uncertain significance.

NM_022455.5(NSD1):c.3397A>G (p.Lys1133Glu)

Gene: NSD1 (nuclear receptor binding SET domain protein 1; plus strand). Cytogenetic location: 5q35.3.
Variant type: single nucleotide variant.
Coding change: c.3397A>G on transcript NM_022455.5 (MANE Select); coding-DNA position 3397, A replaced by G.
Protein change: p.Lys1133Glu; replaces lysine 1133 with glutamic acid.
Molecular consequence: missense variant.
Genome position (GRCh38, 1-based): chr5:177,211,796, A>G. VCF-style: chr5-177211796-A-G. GRCh37 (hg19) VCF-style: chr5-176638797-A-G.
Other names: c.2524A>G, p.Lys842Glu (NM_001365684.2, NM_001409306.1, NM_001409307.1 and 3 more transcripts); c.3397A>G, p.Lys1133Glu (NM_001409301.1, NM_001409302.1, NM_001409303.1); c.2977A>G, p.Lys993Glu (NM_001409304.1); c.2644A>G, p.Lys882Glu (NM_001409305.1); short protein forms K1133E, K864E, K842E, K882E, K993E.
Identifiers: ClinVar variation 3068762 (VCV003068762.3), dbSNP rs886060441, ClinGen allele CA10624121.